The following is an entry in ClinVar:

NM_014915.3(ANKRD26):c.92G>T (p.Gly31Val)

Genes: ANKRD26 (ankyrin repeat domain 26; minus strand), LOC130003554 (ATAC-STARR-seq lymphoblastoid silent region 2243; plus strand). Cytogenetic location: 10p12.1.
Variant type: single nucleotide variant.
Coding change: c.92G>T on transcript NM_014915.3 (MANE Select); coding-DNA position 92, G replaced by T.
Protein change: p.Gly31Val; replaces glycine 31 with valine.
Molecular consequence: missense variant.
Genome position (GRCh38, 1-based): chr10:27,100,235, C>A on the plus strand (G>T on the coding strand, the complement: ANKRD26 is on the minus strand). VCF-style: chr10-27100235-C-A. GRCh37 (hg19) VCF-style: chr10-27389164-C-A.
Other names: c.92G>T, p.Gly31Val (NM_001256053.2); short protein forms G31V.
Identifiers: ClinVar variation 4860015 (VCV004860015.1).

ClinVar aggregate classification (germline): Uncertain significance (1 of 4 stars; one submission).

Conditions:
Inborn genetic diseases. Identifiers: MedGen C0950123, MeSH D030342.

Submission:

Ambry Genetics
Classification: Uncertain significance for Inborn genetic diseases. Last evaluated: 2026-06-09. Review status: criteria provided, single submitter. Criteria: Ambry Variant Classification Scheme 2023. Collection method: clinical testing. Allele origin: germline.
Comment: The p.G31V variant (also known as c.92G>T), located in coding exon 1 of the ANKRD26 gene, results from a G to T substitution at nucleotide position 92. The glycine at codon 31 is replaced by valine, an amino acid with dissimilar properties. This amino acid position is conserved. In addition, this alteration is predicted to be tolerated by in silico analysis. Based on the available evidence, the clinical significance of this variant remains unclear.